The following is an entry in ClinVar:

NM_017763.6(RNF43):c.952+2T>G

Gene: RNF43 (ring finger protein 43; minus strand). Cytogenetic location: 17q22.
Variant type: single nucleotide variant.
Coding change: c.952+2T>G on transcript NM_017763.6 (MANE Select); the canonical splice donor site of the intron after coding-DNA position 952, T replaced by G.
Molecular consequence: splice donor variant.
Genome position (GRCh38, 1-based): chr17:58,360,147, A>C on the plus strand (T>G on the coding strand, the complement: RNF43 is on the minus strand). VCF-style: chr17-58360147-A-C. GRCh37 (hg19) VCF-style: chr17-56437508-A-C.
Other names: c.952+2T>G (NM_001438822.1, NM_001305544.3, NM_001438820.1 and 1 more transcripts); c.571+2T>G (NM_001305545.2, NM_001437987.1).
Identifiers: ClinVar variation 2121723 (VCV002121723.4), dbSNP rs2143438290, ClinGen allele CA400332700.

ClinVar aggregate classification (germline): Uncertain significance (1 of 4 stars; one submission).

Submission:

Labcorp Genetics (formerly Invitae), Labcorp
Classification: Uncertain significance. Last evaluated: 2022-04-05. Review status: criteria provided, single submitter. Criteria: Invitae Variant Classification Sherloc (09022015). Collection method: clinical testing. Allele origin: germline.
Comment: In summary, the available evidence is currently insufficient to determine the role of this variant in disease. Therefore, it has been classified as a Variant of Uncertain Significance. Algorithms developed to predict the effect of sequence changes on RNA splicing suggest that this variant may disrupt the consensus splice site. This variant has not been reported in the literature in individuals affected with RNF43-related conditions. This variant is not present in population databases (gnomAD no frequency). This sequence change affects a donor splice site in intron 8 of the RNF43 gene. It is expected to disrupt RNA splicing. Variants that disrupt the donor or acceptor splice site typically lead to a loss of protein function (PMID: 16199547), however the current clinical and genetic evidence is not sufficient to establish whether loss-of-function variants in RNF43 cause disease.

Literature cited by the submitters: PubMed 16199547.